The following is an entry in ClinVar:

NM_000827.4(GRIA1):c.740G>A (p.Gly247Asp)

Gene: GRIA1 (glutamate ionotropic receptor AMPA type subunit 1; plus strand). Cytogenetic location: 5q33.2.
Variant type: single nucleotide variant.
Coding change: c.740G>A on transcript NM_000827.4 (MANE Select); coding-DNA position 740, G replaced by A.
Protein change: p.Gly247Asp; replaces glycine 247 with aspartic acid.
Molecular consequence: missense variant. On other transcripts: non-coding transcript variant (2).
Genome position (GRCh38, 1-based): chr5:153,674,540, G>A. VCF-style: chr5-153674540-G-A. GRCh37 (hg19) VCF-style: chr5-153054100-G-A.
Other names: c.740G>A, p.Gly247Asp (NM_001114183.2, NM_001364165.2); c.500G>A, p.Gly167Asp (NM_001258019.2); c.455G>A, p.Gly152Asp (NM_001258020.2); c.770G>A, p.Gly257Asp (NM_001258021.2, NM_001258022.2); c.533G>A, p.Gly178Asp (NM_001258023.1, NM_001364167.2); c.767G>A, p.Gly256Asp (NM_001364166.2); short protein forms G152D, G167D, G178D, G247D, G256D, G257D.
Identifiers: ClinVar variation 2502741 (VCV002502741.1), dbSNP rs1381962865, ClinGen allele CA361901120.

ClinVar aggregate classification (germline): Uncertain significance (1 of 4 stars; one submission).

Allele frequency attached by ClinVar (database versions not stated): gnomAD exomes below 0.00001; TOPMed 0.00002.
gnomAD v4.1: 2 of 1,614,096 alleles (0.00012%); highest among the groups gnomAD compares: Non-Finnish European, 0.00017%; no homozygotes.

Submission:

GeneDx
Classification: Uncertain significance. Last evaluated: 2022-11-17. Review status: criteria provided, single submitter. Criteria: GeneDx Variant Classification Process June 2021. Collection method: clinical testing. Allele origin: germline. Affected: yes.
Comment: Not observed at significant frequency in large population cohorts (gnomAD); In silico analysis supports that this missense variant has a deleterious effect on protein structure/function; Has not been previously published as pathogenic or benign to our knowledge